The following is an entry in ClinVar:

NM_001876.4(CPT1A):c.1829_1830del (p.Thr610fs)

Gene: CPT1A (carnitine palmitoyltransferase 1A; minus strand). Cytogenetic location: 11q13.3.
Variant type: Deletion.
Coding change: c.1829_1830del on transcript NM_001876.4 (MANE Select); coding-DNA positions 1829 to 1830, 2 bases deleted (CT; older notation c.1829_1830delCT).
Protein change: p.Thr610fs; shifts the reading frame from threonine 610.
Molecular consequence: frameshift variant.
Genome position (GRCh38, 1-based): chr11:68,762,672-68,762,673, AG deleted on the plus strand (CT on the coding strand, the reverse complement: CPT1A is on the minus strand). VCF-style (leftmost placement, unchanged base first): chr11-68762671-CAG-C. GRCh37 (hg19) VCF-style: chr11-68530139-CAG-C.
Other names: c.1829_1830del, p.Thr610fs (NM_001031847.3); short protein forms T610fs.
Identifiers: ClinVar variation 1725933 (VCV001725933.2), dbSNP rs2495517853, ClinGen allele CA2580084758.

ClinVar aggregate classification (germline): Likely pathogenic (1 of 4 stars; one submission).

Conditions:
Carnitine palmitoyl transferase 1A deficiency. Also called: CPT I DEFICIENCY; CPT DEFICIENCY, HEPATIC, TYPE I; Carnitine palmitoyltransferase type I deficiency; CPT deficiency, hepatic, type IA; Carnitine palmitoyltransferase 1A deficiency. Identifiers: Orphanet 156, MedGen C1829703, MONDO:0009705, OMIM 255120.

Allele frequency attached by ClinVar (database versions not stated): gnomAD exomes below 0.00001.

Submission:

Myriad Genetics, Inc.
Classification: Likely pathogenic for Carnitine palmitoyl transferase 1A deficiency. Last evaluated: 2022-04-17. Review status: criteria provided, single submitter. Criteria: Myriad Women's Health Autosomal Recessive and X-Linked Classification Criteria (2021). Collection method: clinical testing. Allele origin: unknown.
Comment: NM_001876.3(CPT1A):c.1829_1830delCT(T610Rfs*28) is expected to be pathogenic in the context of carnitine palmitoyltransferase IA deficiency. This variant is predicted to lead to an abnormal or absent protein product due to the creation of a premature termination codon in CPT1A, a gene where loss-of-function variants are known to be pathogenic. Please note: this variant was assessed in the context of healthy population screening.